The following is an entry in ClinVar:

ClinVar aggregate classification (germline): Uncertain significance (1 of 4 stars; one submission).

Conditions:
Pitt-Hopkins-like syndrome 2 (PTHSL2). Identifiers: Orphanet 221150, Orphanet 600663, MedGen C3280479, MONDO:0013690, OMIM 614325.

gnomAD v4.1: 1 of 1,612,488 alleles (0.000062%); highest among the groups gnomAD compares: Non-Finnish European, 0.000085%; no homozygotes.

Submission:

Labcorp Genetics (formerly Invitae), Labcorp
Classification: Uncertain significance for Pitt-Hopkins-like syndrome 2. Last evaluated: 2025-08-26. Review status: criteria provided, single submitter. Criteria: Invitae Variant Classification Sherloc (09022015). Collection method: clinical testing. Allele origin: germline.
Comment: This sequence change replaces tyrosine, which is neutral and polar, with cysteine, which is neutral and slightly polar, at codon 747 of the NRXN1 protein (p.Tyr747Cys). This variant is not present in population databases (gnomAD no frequency). This variant has not been reported in the literature in individuals affected with NRXN1-related conditions. An algorithm developed to predict the effect of missense changes on protein structure and function (PolyPhen-2) suggests that this variant is likely to be disruptive. In summary, the available evidence is currently insufficient to determine the role of this variant in disease. Therefore, it has been classified as a Variant of Uncertain Significance.

NM_001330078.2(NRXN1):c.2120A>G (p.Tyr707Cys)

Gene: NRXN1 (neurexin 1; minus strand). Cytogenetic location: 2p16.3.
Variant type: single nucleotide variant.
Coding change: c.2120A>G on transcript NM_001330078.2 (MANE Select); coding-DNA position 2120, A replaced by G.
Protein change: p.Tyr707Cys; replaces tyrosine 707 with cysteine.
Molecular consequence: missense variant.
Genome position (GRCh38, 1-based): chr2:50,538,276, T>C on the plus strand (A>G on the coding strand, the complement: NRXN1 is on the minus strand). VCF-style: chr2-50538276-T-C. GRCh37 (hg19) VCF-style: chr2-50765414-T-C.
Other names: c.2240A>G, p.Tyr747Cys (NM_001135659.3); c.2096A>G, p.Tyr699Cys (NM_001330077.2, NM_001330082.2, NM_001330095.2); c.2081A>G, p.Tyr694Cys (NM_001330083.2, NM_001330084.2); c.2120A>G, p.Tyr707Cys (NM_001330085.2, NM_001330086.2, NM_004801.6); c.2036A>G, p.Tyr679Cys (NM_001330087.2, NM_001330096.2); c.2066A>G, p.Tyr689Cys (NM_001330088.2); c.2117A>G, p.Tyr706Cys (NM_001330093.2); c.2108A>G, p.Tyr703Cys (NM_001330094.2); short protein forms Y689C, Y694C, Y699C, Y703C, Y747C, Y679C, Y706C, Y707C.
Identifiers: ClinVar variation 4723936 (VCV004723936.1).